The following is an entry in ClinVar:

NM_213599.3(ANO5):c.-261A>C

Gene: ANO5 (anoctamin 5; plus strand). Cytogenetic location: 11p14.3.
Variant type: single nucleotide variant.
Coding change: c.-261A>C on transcript NM_213599.3 (MANE Select); 261 bases upstream of the start codon, A replaced by C.
Molecular consequence: 5 prime UTR variant.
Genome position (GRCh38, 1-based): chr11:22,193,232, A>C. VCF-style: chr11-22193232-A-C. GRCh37 (hg19) VCF-style: chr11-22214778-A-C.
Other names: c.-261A>C (NM_001142649.2).
Identifiers: ClinVar variation 304089 (VCV000304089.8), dbSNP rs114897158, ClinGen allele CA10638768.

ClinVar aggregate classification (germline): Benign/Likely benign. Review status: criteria provided, multiple submitters, no conflicts (2 of 4 stars). 2 submissions from 2 submitters: Benign (1); Likely benign (1). Last evaluated 2018-07-15.

Conditions:
ANO5-Related Muscle Diseases. Identifiers: MedGen CN180644.

Allele frequency attached by ClinVar (database versions not stated): 1000 Genomes Project 0.01158; gnomAD 0.01250 and 0.01169; gnomAD exomes 0.00107; TOPMed 0.01217; 1000 Genomes Project 30x 0.01234.
gnomAD v4.1: 2,658 of 1,098,944 alleles (0.24%); highest among the groups gnomAD compares: African/African-American, 4.4%; 40 homozygotes.

Submissions (2):

GeneDx
Classification: Likely benign. Last evaluated: 2018-07-15. Review status: criteria provided, single submitter. Criteria: GeneDx Variant Classification Process June 2021. Collection method: clinical testing. Allele origin: germline. Affected: yes.

Illumina Laboratory Services, Illumina
Classification: Benign for ANO5-Related Muscle Diseases. Last evaluated: 2018-01-13. Review status: criteria provided, single submitter. Criteria: ICSL Variant Classification Criteria 13 December 2019. Collection method: clinical testing. Allele origin: germline.
Comment: This variant was observed in the ICSL laboratory as part of a predisposition screen in an ostensibly healthy population. It had not been previously curated by ICSL or reported in the Human Gene Mutation Database (HGMD: prior to June 1st, 2018), and was therefore a candidate for classification through an automated scoring system. Utilizing variant allele frequency, disease prevalence and penetrance estimates, and inheritance mode, an automated score was calculated to assess if this variant is too frequent to cause the disease. Based on the score and internal cut-off values, a variant classified as benign is not then subjected to further curation. The score for this variant resulted in a classification of benign for this disease.